The following is an entry in ClinVar:

NM_024685.4(BBS10):c.271dup (p.Cys91fs)

Gene: BBS10 (Bardet-Biedl syndrome 10; minus strand). Cytogenetic location: 12q21.2.
Variant type: Duplication.
Coding change: c.271dup on transcript NM_024685.4 (MANE Select); coding-DNA position 271, one base duplicated (T; older notation c.271dupT).
Protein change: p.Cys91fs; shifts the reading frame from cysteine 91.
Molecular consequence: frameshift variant.
Genome position (GRCh38, 1-based): chr12:76,347,714, A duplicated on the plus strand (T on the coding strand, the reverse complement: BBS10 is on the minus strand); the first of 3 consecutive A bases (chr12:76,347,714-76,347,716); duplicating any one gives the same sequence. VCF-style (leftmost placement, unchanged base first): chr12-76347713-C-CA. GRCh37 (hg19) VCF-style: chr12-76741493-C-CA.
Other names: BBS10, 1-BP DUP, 271T; c.271dupT (NM_024685.4); c.271dup, p.Cys91fs (LRG_1255t1); short protein forms C91fs.
Identifiers: ClinVar variation 1328 (VCV000001328.107), dbSNP rs549625604, ClinGen allele CA170912.

ClinVar aggregate classification (germline): Pathogenic/Likely pathogenic. Review status: criteria provided, multiple submitters, no conflicts (2 of 4 stars). 46 submissions from 44 submitters: Pathogenic (34); Likely pathogenic (2). 10 of the submissions do not count toward it. Last evaluated 2026-05-27.

Conditions:
BBS10-related disorder. Also called: BBS10-related condition.
Bardet-biedl syndrome 6/10, digenic. Identifiers: MedGen C4017660.
Retinal dystrophy. Also called: Inherited retinal dystrophy. Identifiers: Orphanet 71862, MedGen C0854723, MeSH D058499, MONDO:0019118, HP:0000556.
Inborn genetic diseases. Identifiers: MedGen C0950123, MeSH D030342.
Primary ciliary dyskinesia. Also called: Ciliary dyskinesia. Identifiers: Orphanet 244, MedGen C0008780, MONDO:0016575, HP:0012265.
Bardet-Biedl syndrome (BBS). Identifiers: Orphanet 110, MedGen C0752166, MONDO:0015229.
Retinitis pigmentosa (RP). Identifiers: Orphanet 791, MedGen C0035334, MeSH D012174, MONDO:0019200, OMIM 268000. Inheritance: Autosomal dominant, autosomal recessive and X linked inheritance.
Bardet-Biedl syndrome 1 (BBS1). Identifiers: MedGen C2936862, MONDO:0008854, OMIM 209900. Disease mechanism: loss of function.
Bardet-Biedl syndrome 10 (BBS10). Identifiers: Orphanet 110, MedGen C1859568, MONDO:0014438, OMIM 615987.
Early onset severe obesity. Identifiers: MedGen C4013980.

Submissions 1 to 14 of 46:

PreventionGenetics, part of Exact Sciences
Classification: Pathogenic for BBS10-related condition. Last evaluated: 2026-05-27. Review status: criteria provided, single submitter. Criteria: ACMG Guidelines, 2015. Collection method: clinical testing. Allele origin: germline.
Comment: The BBS10 c.271dupT variant is predicted to result in a frameshift and premature protein termination (p.Cys91Leufs*5). This variant has been reported in the homozygous state or in the compound heterozygous state along with a second variant in this gene, in individuals with Bardet-Biedl syndrome (Mary et al. 2019. PubMed ID: 30614526), and is the most common disease-causing variant in BBS10 (Table S1, Stoetzel et al. 2006. PubMed ID: 16582908). This variant is reported in 0.10% of alleles in individuals of European (Non-Finnish) descent in gnomAD. Frameshift variants in BBS10 are expected to be pathogenic. This variant is interpreted as pathogenic.

Department of Human Genetics, Hannover Medical School
Classification: Likely pathogenic for Primary Ciliary Dyskinesia. Last evaluated: 2026-04-01. Review status: criteria provided, single submitter. Criteria: ACMG Guidelines, 2015. Collection method: research. Allele origin: germline. Affected: no.
Comment: Classification performed by HerediClassify using the following criteria:['PM2_supporting: Variant occures does not occur as homozygous in gnomAD.', 'PVS1_protein_strong: Transcript ENST00000650064 is not predicted to undergo NMD. Protein length change of 0.8699861687413555 observed. ', "PP4_moderate: The PICADAR socre of 10.0 exceeds threshold of 8 achieving 'strong' evidence strength."]

Dasa
Classification: Pathogenic. Last evaluated: 2026-03-06. Review status: criteria provided, single submitter. Criteria: DASA Assertion Criteria. Collection method: clinical testing. Allele origin: germline.
Comment: NM_024685.4(BBS10):c.271dup (p.Cys91Leufs*5) introduces a premature termination codon predicted to result in loss of normal protein function. Loss-of-function is an established mechanism of disease for this gene. This variant has been recurrently observed in individuals with related phenotype (PMID: 39092430; PMID: 32835378; PMID: 35112343; PMID: 20805367; PMID: 16582908). Segregation evidence has been reported in affected families. The variant is present at low frequency in population datasets. Based on the available data, this variant is classified as pathogenic.

Labcorp Genetics (formerly Invitae), Labcorp
Classification: Pathogenic for Bardet-Biedl syndrome. Last evaluated: 2026-01-21. Review status: criteria provided, single submitter. Criteria: Invitae Variant Classification Sherloc (09022015). Collection method: clinical testing. Allele origin: germline.
Comment: This sequence change creates a premature translational stop signal (p.Cys91Leufs*5) in the BBS10 gene. While this is not anticipated to result in nonsense mediated decay, it is expected to disrupt the last 633 amino acid(s) of the BBS10 protein. This variant is present in population databases (rs549625604, gnomAD 0.1%), and has an allele count higher than expected for a pathogenic variant. This premature translational stop signal has been observed in individual(s) with Bardet-Biedl syndrome (PMID: 16582908, 20805367, 27385962). In at least one individual the data is consistent with being in trans (on the opposite chromosome) from a pathogenic variant. ClinVar contains an entry for this variant (Variation ID: 1328). For these reasons, this variant has been classified as Pathogenic.

3billion
Classification: Pathogenic for Bardet-Biedl syndrome 10. Last evaluated: 2025-12-15. Review status: criteria provided, single submitter. Criteria: ACMG Guidelines, 2015. Collection method: clinical testing. Allele origin: germline. Affected: yes.
Comment: The variant is observed at an extremely low frequency in the gnomAD v4.1.0 dataset (total allele frequency: 0.093%). Predicted Consequence/Location: Frameshift: predicted to result in a loss or disruption of normal protein function through protein truncation. The predicted truncated protein may be shortened by more than 10%. The variant has been reported at least twice as pathogenic with clinical assertions and evidence for the classification (ClinVar ID: VCV000001328 /PMID: 16582908 /3billion dataset). Therefore, this variant is classified as Pathogenic according to the recommendation of ACMG/AMP guideline.

Daryl Scott Lab, Baylor College of Medicine
Classification: Pathogenic for Bardet-Biedl syndrome 10. Last evaluated: 2025-08-25. Review status: criteria provided, single submitter. Criteria: ACMG Guidelines, 2015. Collection method: clinical testing. Allele origin: paternal. Affected: yes. Observed: 1 heterozygote.
Comment: PVS1, PS4, PM3

Natera, Inc.
Classification: Pathogenic for Bardet-Biedl syndrome type 10. Last evaluated: 2025-08-04. Review status: criteria provided, single submitter. Criteria: Natera Variant Classification Schema (03/2026). Collection method: clinical testing. Allele origin: germline.
Comment: The c.271dupT variant in BBS10 is a frameshift variant predicted to shift the reading frame beginning at codon 91 and leads to a stop codon 5 codons downstream. This variant is expected to result in nonsense mediated decay, truncation, or a dysfunctional protein product. This variant is rare in the general population with a frequency below the threshold expected for the associated phenotype(s). This variant has been observed in one or more individuals affected with the associated recessive disease, as either homozygous or compound heterozygous with a second variant (PMID: 28761321, 20120035). Given the available evidence, this variant is classified as Pathogenic.

CeGaT Center for Human Genetics Tuebingen
Classification: Pathogenic. Last evaluated: 2025-01-01. Review status: criteria provided, single submitter. Criteria: CeGaT Center For Human Genetics Tuebingen Variant Classification Criteria Version 2. Collection method: clinical testing. Allele origin: germline. Affected: yes. Observed: 7 variant alleles.
Comment: BBS10: PM3:Very Strong, PVS1:Strong, PM2

Gharavi Laboratory, Columbia University
Classification: Pathogenic for Bardet-Biedl syndrome 10. Last evaluated: 2024-11-05. Review status: criteria provided, single submitter. Criteria: ACMG Guidelines, 2015. Collection method: case-control. Allele origin: germline. Affected: yes.

Blueprint Genetics
Classification: Pathogenic for BBS10-related disorders. Last evaluated: 2024-10-25. Review status: criteria provided, single submitter. Criteria: ACMG Guidelines, 2015. Collection method: clinical testing. Allele origin: germline. Affected: yes. Observed: 5 variant alleles.

Cambridge Genomics Laboratory, East Genomic Laboratory Hub, NHS Genomic Medicine Service
Classification: Pathogenic for Severe early-onset obesity. Last evaluated: 2024-08-01. Review status: criteria provided, single submitter. Criteria: ACGS Best Practice Guidelines for Variant Classification in Rare Disease 2020. Collection method: clinical testing. Allele origin: germline. Affected: yes.
Comment: This variant has been previously classified as pathogenic, indicating that the region is critical to protein function. There are 165 downstream pathogenic loss of function variants, with the furthest variant being 622 residues downstream of this variant. This indicates that the region is critical to protein function. The p.Cys91Leufs*5 variant is a loss of function variant in the gene BBS10, which is intolerant of Loss of Function variants, as indicated by the presence of existing pathogenic loss of function variant NP_078961.3:p.S4Ifs*9 and 133 others. (PVS1_Strong - Strong) | The variant is observed in trans (in a compound heterozygous state) with another pathogenic variant. (PM3_VeryStrong - Very Strong) | The patient's phenotype or family history is highly specific for a disease with a single genetic etiology. (PP4 - Supporting)

Institute of Human Genetics Munich, TUM University Hospital
Classification: Pathogenic for Bardet-Biedl syndrome 10. Last evaluated: 2024-04-02. Review status: criteria provided, single submitter. Criteria: Classification criteria August 2017. Collection method: clinical testing. Allele origin: germline. Inheritance: Autosomal recessive inheritance. Affected: yes. Observed: 1 variant allele.

Revvity Omics, Revvity
Classification: Pathogenic for Bardet-Biedl syndrome 10. Last evaluated: 2024-02-16. Review status: criteria provided, single submitter. Criteria: ACMG Guidelines, 2015. Collection method: clinical testing. Allele origin: germline.

Department of Pathology and Laboratory Medicine, Sinai Health System
Classification: Pathogenic for Bardet-Biedl syndrome. Last evaluated: 2023-03-28. Review status: criteria provided, single submitter. Criteria: ACMG Guidelines, 2015. Collection method: research. Allele origin: germline.